The following is an entry in ClinVar:

ClinVar aggregate classification (germline): Likely pathogenic. Review status: reviewed by expert panel (3 of 4 stars). 3 submissions from 3 submitters: Likely pathogenic (1). 2 of the submissions do not count toward it. Last evaluated 2026-10-30.

Conditions:
RPGR-related disorder. Also called: RPGR-related condition.
RPGR-related retinopathy. Also called: RPGR retinopathy. Identifiers: MedGen CN305589, MONDO:0100437.
Primary ciliary dyskinesia. Also called: Ciliary dyskinesia. Identifiers: Orphanet 244, MedGen C0008780, MONDO:0016575, HP:0012265.

Allele frequency attached by ClinVar (database versions not stated): gnomAD exomes below 0.00001.
gnomAD v4.1: 1 of 1,211,497 alleles (0.000083%); highest among the groups gnomAD compares: Non-Finnish European, 0.00011%; no homozygotes.

Submissions (3):

ClinGen X-linked Inherited Retinal Disease Variant Curation Expert Panel, ClinGen
Classification: Likely pathogenic for RPGR-related retinopathy. Last evaluated: 2026-10-30. Review status: reviewed by expert panel. Criteria: ClinGen X LinkedIRD ACMG Specifications RPGR V1.0.0. Collection method: curation. Allele origin: germline. Inheritance: X-linked inheritance.
Comment: NM_001034853.2(RPGR):c.3313A>T (p.Lys1105Ter) is a nonsense variant in amino acid 1105 that results in a premature stop codon, which is predicted to disrupt a critical C-terminal region required for proper glutamylation of RPGR (PVS1, PMID: 36445968). This variant is absent from gnomAD v4.1.2 (PM2_Supporting). This variant has been reported in at least 1 unpublished affected proband (ClinVar Accession #: SCV007897082.1). However, the number of individuals meeting the PS4 requirement of some functional vision impairment in affected males by age 30 years, with decreased or absent cone and/or rod electroretinogram responses was fewer than the requirement of at least 2 unrelated probands, so PS4_Supporting was not met. In summary, this variant is classified as Likely Pathogenic for RPGR-related retinopathy based on the ClinGen X-linked Inherited Retinal Disease Expert Panel Specifications to the ACMG/AMP Variant Interpretation Guidelines for RPGR Version 1.0.0: PVS1 and PM2_Supporting.

Labcorp Genetics (formerly Invitae), Labcorp
Classification: Pathogenic for Primary ciliary dyskinesia. Last evaluated: 2023-03-30. Review status: criteria provided, single submitter. Criteria: Invitae Variant Classification Sherloc (09022015). Collection method: clinical testing. Allele origin: germline. Not counted in ClinVar's aggregate classification.
Comment: ClinVar contains an entry for this variant (Variation ID: 2003350). This sequence change creates a premature translational stop signal (p.Lys1105*) in the RPGR (ORF15) gene. While this is not anticipated to result in nonsense mediated decay, it is expected to disrupt the last 48 amino acid(s) of the RPGR (ORF15) protein. This variant is not present in population databases (gnomAD no frequency). This variant has not been reported in the literature in individuals affected with RPGR (ORF15)-related conditions. This variant disrupts a region of the RPGR (ORF15) protein in which other variant(s) (p.Leu1130Lysfs*13) have been determined to be pathogenic (PMID: 22264887; Invitae). This suggests that this is a clinically significant region of the protein, and that variants that disrupt it are likely to be disease-causing. For these reasons, this variant has been classified as Pathogenic.

Blueprint Genetics
Classification: Likely pathogenic for RPGR-related disorders. Last evaluated: 2022-03-16. Review status: criteria provided, single submitter. Criteria: ACMG Guidelines, 2015. Collection method: clinical testing. Allele origin: germline. Affected: yes. Observed: 1 variant allele. Not counted in ClinVar's aggregate classification.

Literature cited by the submitters: PubMed 22264887 (cited by Labcorp Genetics (formerly Invitae), Labcorp).

NM_001034853.2(RPGR):c.3313A>T (p.Lys1105Ter)

Gene: RPGR (retinitis pigmentosa GTPase regulator; minus strand). Cytogenetic location: Xp11.4.
Variant type: single nucleotide variant.
Coding change: c.3313A>T on transcript NM_001034853.2 (MANE Select); coding-DNA position 3313, A replaced by T.
Protein change: p.Lys1105Ter; replaces lysine 1105 with a stop codon.
Molecular consequence: nonsense. On other transcripts: intron variant (8).
Genome position (GRCh38, 1-based): chrX:38,285,686, T>A on the plus strand (A>T on the coding strand, the complement: RPGR is on the minus strand). VCF-style: chrX-38285686-T-A. GRCh37 (hg19) VCF-style: chrX-38144939-T-A.
Other names: c.1569+5273A>T (NM_001367249.1, NM_001367250.1); c.1902+1408A>T (NM_001367245.1); c.1386+5273A>T (NM_001367251.1); c.1719+1408A>T (NM_001367246.1); c.1572+5273A>T (NM_001367247.1); c.1905+1408A>T (NM_000328.3); c.1602+5273A>T (NM_001367248.1); short protein forms K1105*.
Identifiers: ClinVar variation 2003350 (VCV002003350.6), dbSNP rs2519780233, ClinGen allele CA412727175.
Genomic context (GRCh38, chrX:38,285,686, plus strand): 5'-GGACTGGCATTTTGGACCTCTGCTCTTTCCCATTTCCCTGTGTGTTAGTAACTGACTTTT[T>A]TTGATATGTTTTATGTTTGCCATATTTCACAGATCCTTTTATTTTGCTCACTTTTTTGTA-3'